The following is an entry in ClinVar:

ClinVar aggregate classification (germline): Uncertain significance. Review status: criteria provided, multiple submitters, no conflicts (2 of 4 stars). 3 submissions from 3 submitters: Uncertain significance (3). Last evaluated 2025-11-22.

Conditions:
Hereditary cancer-predisposing syndrome. Also called: Tumor predisposition; Hereditary neoplastic syndrome; Neoplastic Syndromes, Hereditary; Hereditary Cancer Syndrome. Identifiers: Orphanet 140162, MedGen C0027672, MeSH D009386, MONDO:0015356.
Gastrointestinal stromal tumor. Also called: Gastrointestinal stroma tumor; Gastrointestinal stromal tumor, somatic. Identifiers: Orphanet 44890, MedGen C0238198, MeSH D046152, MONDO:0011719, OMIM 606764, HP:0100723.

Allele frequency attached by ClinVar (database versions not stated): gnomAD 0.00001; gnomAD exomes 0.00001.
gnomAD v4.1: 7 of 1,614,000 alleles (0.00043%); highest among the groups gnomAD compares: East Asian, 0.016%; no homozygotes.

Submissions (3):

Labcorp Genetics (formerly Invitae), Labcorp
Classification: Uncertain significance for Gastrointestinal stromal tumor. Last evaluated: 2025-11-22. Review status: criteria provided, single submitter. Criteria: Invitae Variant Classification Sherloc (09022015). Collection method: clinical testing. Allele origin: germline.
Comment: This sequence change replaces isoleucine, which is neutral and non-polar, with methionine, which is neutral and non-polar, at codon 563 of the KIT protein (p.Ile563Met). This variant is not present in population databases (gnomAD no frequency). This variant has not been reported in the literature in individuals affected with KIT-related conditions. ClinVar contains an entry for this variant (Variation ID: 458887). An algorithm developed to predict the effect of missense changes on protein structure and function (PolyPhen-2) suggests that this variant is likely to be disruptive. In summary, the available evidence is currently insufficient to determine the role of this variant in disease. Therefore, it has been classified as a Variant of Uncertain Significance.

Ambry Genetics
Classification: Uncertain significance for Hereditary cancer-predisposing syndrome. Last evaluated: 2024-11-13. Review status: criteria provided, single submitter. Criteria: Ambry Variant Classification Scheme 2023. Collection method: clinical testing. Allele origin: germline.
Comment: The p.I563M variant (also known as c.1689A>G), located in coding exon 11 of the KIT gene, results from an A to G substitution at nucleotide position 1689. The isoleucine at codon 563 is replaced by methionine, an amino acid with highly similar properties. This amino acid position is well conserved in available vertebrate species. In addition, the in silico prediction for this alteration is inconclusive. Based on the available evidence, the clinical significance of this variant remains unclear.

GeneDx
Classification: Uncertain significance. Last evaluated: 2023-11-21. Review status: criteria provided, single submitter. Criteria: GeneDx Variant Classification Process June 2021. Collection method: clinical testing. Allele origin: germline. Affected: yes.
Comment: Not observed at significant frequency in large population cohorts (gnomAD); In silico analysis supports that this missense variant does not alter protein structure/function; Has not been previously published as pathogenic or benign to our knowledge; This variant is associated with the following publications: (PMID: 14606094, 15269295, 26775367)

NM_000222.3(KIT):c.1689A>G (p.Ile563Met)

Gene: KIT (KIT proto-oncogene, receptor tyrosine kinase; plus strand). Cytogenetic location: 4q12.
Variant type: single nucleotide variant.
Coding change: c.1689A>G on transcript NM_000222.3 (MANE Select); coding-DNA position 1689, A replaced by G.
Protein change: p.Ile563Met; replaces isoleucine 563 with methionine.
Molecular consequence: missense variant.
Genome position (GRCh38, 1-based): chr4:54,727,457, A>G. VCF-style: chr4-54727457-A-G. GRCh37 (hg19) VCF-style: chr4-55593623-A-G.
Other names: c.1677A>G, p.Ile559Met (NM_001093772.2, NM_001385286.1); c.1692A>G, p.Ile564Met (NM_001385284.1, NM_001385290.1); c.1689A>G, p.Ile563Met (NM_001385285.1); c.1680A>G, p.Ile560Met (NM_001385288.1, NM_001385292.1); short protein forms I563M, I559M, I560M, I564M.
Identifiers: ClinVar variation 458887 (VCV000458887.9), dbSNP rs1553891768, ClinGen allele CA356907497.
Genomic context (GRCh38, chr4:54,727,457, plus strand): 5'-TTTCCCTTTCTCCCCACAGAAACCCATGTATGAAGTACAGTGGAAGGTTGTTGAGGAGAT[A>G]AATGGAAACAATTATGTTTACATAGACCCAACACAACTTCCTTATGATCACAAATGGGAG-3'
Protein context (NP_000213.1, residues 553-573): YEVQWKVVEE[Ile563Met]NGNNYVYIDP